The following is an entry in ClinVar:

NM_080632.3(UPF3B):c.1087A>G (p.Arg363Gly)

Gene: UPF3B (UPF3B regulator of nonsense mediated mRNA decay; minus strand). Cytogenetic location: Xq24.
Variant type: single nucleotide variant.
Coding change: c.1087A>G on transcript NM_080632.3 (MANE Select); coding-DNA position 1087, A replaced by G.
Protein change: p.Arg363Gly; replaces arginine 363 with glycine.
Molecular consequence: missense variant.
Genome position (GRCh38, 1-based): chrX:119,837,972, T>C on the plus strand (A>G on the coding strand, the complement: UPF3B is on the minus strand). VCF-style: chrX-119837972-T-C. GRCh37 (hg19) VCF-style: chrX-118971935-T-C.
Other names: c.1048A>G, p.Arg350Gly (NM_023010.4); c.1087A>G (NM_080632.2); short protein forms R350G, R363G.
Identifiers: ClinVar variation 1342827 (VCV001342827.7), dbSNP rs1402767794, ClinGen allele CA414183417.
Genomic context (GRCh38, chrX:119,837,972, plus strand): 5'-CTTTCTCATAGCGCTCCTTCTGCCTACGGCGCTCTTCTTCTTGCCGCTTCAGCCTCTCTC[T>C]TTCTCGAAGTATGCGCTCCTGATCTCGTTCATATTCCCGTTCCCTCTCCCTATAGTCTCT-3'
Protein context (NP_542199.1, residues 353-373): ERDQERILRE[Arg363Gly]ERLKRQEEER

ClinVar aggregate classification (germline): Conflicting classifications of pathogenicity. Review status: criteria provided, conflicting classifications (1 of 4 stars). 3 submissions from 3 submitters: Uncertain significance (2); Likely benign (1). Last evaluated 2024-08-13.

Conditions:
Intellectual developmental disorder, X-linked, syndromic 14. Also called: Syndromic X-linked intellectual disability 14. Identifiers: Orphanet 776, MedGen C1970822, MONDO:0010398, OMIM 300676.
Inborn genetic diseases. Identifiers: MedGen C0950123, MeSH D030342.

Allele frequency attached by ClinVar (database versions not stated): gnomAD exomes 0.00001.

Submissions (3):

Labcorp Genetics (formerly Invitae), Labcorp
Classification: Uncertain significance for Intellectual developmental disorder, X-linked, syndromic 14. Last evaluated: 2024-08-13. Review status: criteria provided, single submitter. Criteria: Invitae Variant Classification Sherloc (09022015). Collection method: clinical testing. Allele origin: germline.
Comment: This sequence change replaces arginine, which is basic and polar, with glycine, which is neutral and non-polar, at codon 363 of the UPF3B protein (p.Arg363Gly). The frequency data for this variant in the population databases is considered unreliable, as metrics indicate poor data quality at this position in the gnomAD database. This variant has not been reported in the literature in individuals affected with UPF3B-related conditions. ClinVar contains an entry for this variant (Variation ID: 1342827). Invitae Evidence Modeling of protein sequence and biophysical properties (such as structural, functional, and spatial information, amino acid conservation, physicochemical variation, residue mobility, and thermodynamic stability) indicates that this missense variant is not expected to disrupt UPF3B protein function with a negative predictive value of 80%. In summary, the available evidence is currently insufficient to determine the role of this variant in disease. Therefore, it has been classified as a Variant of Uncertain Significance.

Ambry Genetics
Classification: Uncertain significance for Inborn genetic diseases. Last evaluated: 2023-06-29. Review status: criteria provided, single submitter. Criteria: Ambry Variant Classification Scheme 2023. Collection method: clinical testing. Allele origin: germline.

GeneDx
Classification: Likely benign. Last evaluated: 2022-02-23. Review status: criteria provided, single submitter. Criteria: GeneDx Variant Classification Process June 2021. Collection method: clinical testing. Allele origin: germline. Affected: yes.
Comment: Not observed at significant frequency in large population cohorts (gnomAD); In silico analysis supports that this missense variant does not alter protein structure/function; Has not been previously published as pathogenic or benign to our knowledge